The following is an entry in ClinVar:

ClinVar aggregate classification (germline): Uncertain significance (1 of 4 stars; one submission).

Conditions:
Hypertrophic cardiomyopathy 14. Identifiers: MedGen C2750467, MONDO:0013197, OMIM 613251.

Allele frequency attached by ClinVar (database versions not stated): TOPMed 0.00001.
gnomAD v4.1: 4 of 1,614,192 alleles (0.00025%); highest among the groups gnomAD compares: Non-Finnish European, 0.00034%; no homozygotes.

Submission:

Labcorp Genetics (formerly Invitae), Labcorp
Classification: Uncertain significance for Hypertrophic cardiomyopathy 14. Last evaluated: 2023-12-25. Review status: criteria provided, single submitter. Criteria: Invitae Variant Classification Sherloc (09022015). Collection method: clinical testing. Allele origin: germline.
Comment: This sequence change replaces lysine, which is basic and polar, with asparagine, which is neutral and polar, at codon 1026 of the MYH6 protein (p.Lys1026Asn). This variant is not present in population databases (gnomAD no frequency). This variant has not been reported in the literature in individuals affected with MYH6-related conditions. Advanced modeling of protein sequence and biophysical properties (such as structural, functional, and spatial information, amino acid conservation, physicochemical variation, residue mobility, and thermodynamic stability) performed at Invitae indicates that this missense variant is expected to disrupt MYH6 protein function with a positive predictive value of 80%. In summary, the available evidence is currently insufficient to determine the role of this variant in disease. Therefore, it has been classified as a Variant of Uncertain Significance.

NM_002471.4(MYH6):c.3078G>T (p.Lys1026Asn)

Gene: MYH6 (myosin heavy chain 6; minus strand). Cytogenetic location: 14q11.2.
Variant type: single nucleotide variant.
Coding change: c.3078G>T on transcript NM_002471.4 (MANE Select); coding-DNA position 3078, G replaced by T.
Protein change: p.Lys1026Asn; replaces lysine 1026 with asparagine.
Molecular consequence: missense variant.
Genome position (GRCh38, 1-based): chr14:23,393,369, C>A on the plus strand (G>T on the coding strand, the complement: MYH6 is on the minus strand). VCF-style: chr14-23393369-C-A. GRCh37 (hg19) VCF-style: chr14-23862578-C-A.
Other names: short protein forms K1026N.
Identifiers: ClinVar variation 3007196 (VCV003007196.3), dbSNP rs1244161023, ClinGen allele CA389010282.
Genomic context (GRCh38, chr14:23,393,369, plus strand): 5'-TCTGAGAGCAGGAGCATGGTTCTTACTACTCACATCATCCACCTGCTGCTCCAGCTTGAC[C>A]TTAGACTTGGACAGGCTGTTGACCTTGTCTTCCTCAACCTGAAGGTCATCCAGGGCCTGC-3'
Protein context (NP_002462.2, residues 1016-1036): EDKVNSLSKS[Lys1026Asn]VKLEQQVDDL